The following is an entry in ClinVar:

ClinVar aggregate classification (germline): Uncertain significance (1 of 4 stars; one submission).

gnomAD v4.1: 8 of 1,614,074 alleles (0.0005%); highest among the groups gnomAD compares: Non-Finnish European, 0.00068%; no homozygotes.

Submission:

Labcorp Genetics (formerly Invitae), Labcorp
Classification: Uncertain significance. Last evaluated: 2021-05-19. Review status: criteria provided, single submitter. Criteria: Invitae Variant Classification Sherloc (09022015). Collection method: clinical testing. Allele origin: germline.
Comment: In summary, the available evidence is currently insufficient to determine the role of this variant in disease. Therefore, it has been classified as a Variant of Uncertain Significance. Algorithms developed to predict the effect of missense changes on protein structure and function are either unavailable or do not agree on the potential impact of this missense change (SIFT: "Tolerated"; PolyPhen-2: "Possibly Damaging"; Align-GVGD: "Class C0"). This variant has not been reported in the literature in individuals with LIG1-related conditions. This variant is not present in population databases (ExAC no frequency). This sequence change replaces glutamic acid with lysine at codon 709 of the LIG1 protein (p.Glu709Lys). The glutamic acid residue is moderately conserved and there is a small physicochemical difference between glutamic acid and lysine.

NM_000234.3(LIG1):c.2125G>A (p.Glu709Lys)

Gene: LIG1 (DNA ligase 1; minus strand). Cytogenetic location: 19q13.33.
Variant type: single nucleotide variant.
Coding change: c.2125G>A on transcript NM_000234.3 (MANE Select); coding-DNA position 2125, G replaced by A.
Protein change: p.Glu709Lys; replaces glutamic acid 709 with lysine.
Molecular consequence: missense variant. On other transcripts: non-coding transcript variant (6).
Genome position (GRCh38, 1-based): chr19:48,123,198, C>T on the plus strand (G>A on the coding strand, the complement: LIG1 is on the minus strand). VCF-style: chr19-48123198-C-T. GRCh37 (hg19) VCF-style: chr19-48626455-C-T.
Other names: c.2032G>A, p.Glu678Lys (NM_001289063.2); c.1921G>A, p.Glu641Lys (NM_001289064.2); c.2122G>A, p.Glu708Lys (NM_001320970.2); c.2035G>A, p.Glu679Lys (NM_001320971.2); short protein forms E679K, E678K, E708K, E709K, E641K.
Identifiers: ClinVar variation 1443314 (VCV001443314.8), dbSNP rs764267948, ClinGen allele CA406643099.